The following is an entry in ClinVar:

NM_000121.4(EPOR):c.1341T>C (p.Pro447=)

Gene: EPOR (erythropoietin receptor; minus strand). Cytogenetic location: 19p13.2.
Variant type: single nucleotide variant.
Coding change: c.1341T>C on transcript NM_000121.4 (MANE Select); coding-DNA position 1341, T replaced by C.
Protein change: p.Pro447=; no amino-acid change (proline 447 retained).
Molecular consequence: synonymous variant. On other transcripts: non-coding transcript variant (1).
Genome position (GRCh38, 1-based): chr19:11,378,170, A>G on the plus strand (T>C on the coding strand, the complement: EPOR is on the minus strand). VCF-style: chr19-11378170-A-G. GRCh37 (hg19) VCF-style: chr19-11488846-A-G.
Other names: c.1341T>C (NM_000121.3).
Identifiers: ClinVar variation 2724767 (VCV002724767.4), dbSNP rs140903357, ClinGen allele CA9210530.

ClinVar aggregate classification (germline): Benign/Likely benign. Review status: criteria provided, multiple submitters, no conflicts (2 of 4 stars). 2 submissions from 2 submitters: Benign (1); Likely benign (1). Last evaluated 2026-08-04.

Conditions:
EPOR-related disorder. Also called: EPOR-related condition.

Allele frequency attached by ClinVar (database versions not stated): gnomAD exomes 0.00009; ExAC 0.00035; gnomAD 0.00098; 1000 Genomes Project 0.00100; 1000 Genomes Project 30x 0.00109; ESP Exome Variant Server 0.00115; TOPMed 0.00123.
gnomAD v4.1: 286 of 1,614,008 alleles (0.018%); highest among the groups gnomAD compares: African/African-American, 0.33%; no homozygotes.

Submissions (2):

PreventionGenetics, part of Exact Sciences
Classification: Likely benign for EPOR-related condition. Last evaluated: 2026-08-04. Review status: criteria provided, single submitter. Criteria: ACMG Guidelines, 2015. Collection method: clinical testing. Allele origin: germline.
Comment: This variant is classified as likely benign based on ACMG/AMP sequence variant interpretation guidelines (Richards et al. 2015 PMID: 25741868, with internal and published modifications).

Labcorp Genetics (formerly Invitae), Labcorp
Classification: Benign. Last evaluated: 2025-11-22. Review status: criteria provided, single submitter. Criteria: Invitae Variant Classification Sherloc (09022015). Collection method: clinical testing. Allele origin: germline.